The following is an entry in ClinVar:

ClinVar aggregate classification (germline): Uncertain significance (1 of 4 stars; one submission).

gnomAD v4.1: 1 of 1,614,202 alleles (0.000062%); highest among the groups gnomAD compares: Non-Finnish European, 0.000085%; no homozygotes.

Submission:

Ambry Genetics
Classification: Uncertain significance. Last evaluated: 2023-09-27. Review status: criteria provided, single submitter. Criteria: Ambry Variant Classification Scheme 2023. Collection method: clinical testing. Allele origin: germline.
Comment: The p.A597G variant (also known as c.1790C>G), located in coding exon 3 of the ALPK2 gene, results from a C to G substitution at nucleotide position 1790. The alanine at codon 597 is replaced by glycine, an amino acid with similar properties. This amino acid position is conserved. In addition, this alteration is predicted to be tolerated by in silico analysis. Since supporting evidence is limited at this time, the clinical significance of this alteration remains unclear.

NM_052947.4(ALPK2):c.1790C>G (p.Ala597Gly)

Gene: ALPK2 (alpha kinase 2; minus strand). Cytogenetic location: 18q21.31.
Variant type: single nucleotide variant.
Coding change: c.1790C>G on transcript NM_052947.4 (MANE Select); coding-DNA position 1790, C replaced by G.
Protein change: p.Ala597Gly; replaces alanine 597 with glycine.
Molecular consequence: missense variant.
Genome position (GRCh38, 1-based): chr18:58,578,986, G>C on the plus strand (C>G on the coding strand, the complement: ALPK2 is on the minus strand). VCF-style: chr18-58578986-G-C. GRCh37 (hg19) VCF-style: chr18-56246218-G-C.
Other names: short protein forms A597G.
Identifiers: ClinVar variation 3228588 (VCV003228588.1), dbSNP rs2518898573, ClinGen allele CA402560184.
Genomic context (GRCh38, chr18:58,578,986, plus strand): 5'-GTTTGAAGGGTTTTTGCTTCTTGCTCTGCCTGGGTTGAAATAGCACATTCTCTTGCATCA[G>C]CATGGGAACTCCGACCAGTCGCTGCTGCTGTGGTGTGAGAAGTCTCTCTTTTATCACTCT-3'
Protein context (NP_443179.3, residues 587-607): TAAATGRSSH[Ala597Gly]DARECAISTQ